The following is an entry in ClinVar:

ClinVar aggregate classification (germline): Uncertain significance. Review status: criteria provided, multiple submitters, no conflicts (2 of 4 stars). 2 submissions from 2 submitters: Uncertain significance (2). Last evaluated 2022-01-27.

Conditions:
Primary ciliary dyskinesia. Also called: Ciliary dyskinesia. Identifiers: Orphanet 244, MedGen C0008780, MONDO:0016575, HP:0012265.

Allele frequency attached by ClinVar (database versions not stated): gnomAD exomes 0.00001 and 0.00003; ExAC 0.00003; gnomAD 0.00009 and 0.00010; TOPMed 0.00012.

Submissions (2):

Ambry Genetics
Classification: Uncertain significance for Primary ciliary dyskinesia. Last evaluated: 2022-01-27. Review status: criteria provided, single submitter. Criteria: Ambry Variant Classification Scheme 2023. Collection method: clinical testing. Allele origin: germline.

Labcorp Genetics (formerly Invitae), Labcorp
Classification: Uncertain significance for Primary ciliary dyskinesia. Last evaluated: 2020-09-09. Review status: criteria provided, single submitter. Criteria: Invitae Variant Classification Sherloc (09022015). Collection method: clinical testing. Allele origin: germline.
Comment: In summary, the available evidence is currently insufficient to determine the role of this variant in disease. Therefore, it has been classified as a Variant of Uncertain Significance. Algorithms developed to predict the effect of missense changes on protein structure and function (SIFT, PolyPhen-2, Align-GVGD) all suggest that this variant is likely to be tolerated, but these predictions have not been confirmed by published functional studies and their clinical significance is uncertain. This variant has not been reported in the literature in individuals with CCDC40-related conditions. This variant is present in population databases (rs763700391, ExAC 0.04%). This sequence change replaces arginine with cysteine at codon 615 of the CCDC40 protein (p.Arg615Cys). The arginine residue is moderately conserved and there is a large physicochemical difference between arginine and cysteine.

NM_017950.4(CCDC40):c.1843C>T (p.Arg615Cys)

Gene: CCDC40 (coiled-coil domain 40 molecular ruler complex subunit; plus strand). Cytogenetic location: 17q25.3.
Variant type: single nucleotide variant.
Coding change: c.1843C>T on transcript NM_017950.4 (MANE Select); coding-DNA position 1843, C replaced by T.
Protein change: p.Arg615Cys; replaces arginine 615 with cysteine.
Molecular consequence: missense variant.
Genome position (GRCh38, 1-based): chr17:80,081,912, C>T. VCF-style: chr17-80081912-C-T. GRCh37 (hg19) VCF-style: chr17-78055711-C-T.
Other names: c.1843C>T (NM_017950.3); c.1843C>T, p.Arg615Cys (NM_001243342.2); short protein forms R615C.
Identifiers: ClinVar variation 1021009 (VCV001021009.10), dbSNP rs763700391, ClinGen allele CA8814037.
Genomic context (GRCh38, chr17:80,081,912, plus strand): 5'-CACCCTGTGGCTCCTTGTCTCCAGGAACAAATGATACTCACGGAGGAGTTGCAGGCCATC[C>T]GCCAAGCCATCCAGGGCGAGCTGGAGCTCAGGAGGAAGACGGATGCTGCCATCCGGGAGA-3'
Protein context (NP_060420.2, residues 605-625): MILTEELQAI[Arg615Cys]QAIQGELELR